The following is an entry in ClinVar:

NM_000352.6(ABCC8):c.655C>T (p.Gln219Ter)

Gene: ABCC8 (ATP binding cassette subfamily C member 8; minus strand). Cytogenetic location: 11p15.1.
Variant type: single nucleotide variant.
Coding change: c.655C>T on transcript NM_000352.6 (MANE Select); coding-DNA position 655, C replaced by T.
Protein change: p.Gln219Ter; replaces glutamine 219 with a stop codon.
Molecular consequence: nonsense. On other transcripts: non-coding transcript variant (1).
Genome position (GRCh38, 1-based): chr11:17,461,750, G>A on the plus strand (C>T on the coding strand, the complement: ABCC8 is on the minus strand). VCF-style: chr11-17461750-G-A. GRCh37 (hg19) VCF-style: chr11-17483297-G-A.
Other names: c.655C>T, p.Gln219Ter (NM_001287174.3, NM_001351295.2, NM_001351296.2 and 1 more transcripts); short protein forms Q219*.
Identifiers: ClinVar variation 1458522 (VCV001458522.8), dbSNP rs2133680142, ClinGen allele CA379778849.
Genomic context (GRCh38, chr11:17,461,750, plus strand): 5'-TCTTGATGAAGGCGTTCATCCACCAGTAGGTGCCTTTGGACAGCAGATTCACGAAGGGCT[G>A]CAGGAAGCGTACCCCCAGGTCTTGCAGGTCCTCGGGAGGCTTCACCTCCCTCGGTGTCTT-3'

ClinVar aggregate classification (germline): Pathogenic (1 of 4 stars; one submission).

Allele frequency attached by ClinVar (database versions not stated): gnomAD exomes below 0.00001.
gnomAD v4.1: 3 of 1,614,174 alleles (0.00019%); highest among the groups gnomAD compares: African/African-American, 0.0013%; no homozygotes.

Submission:

Labcorp Genetics (formerly Invitae), Labcorp
Classification: Pathogenic. Last evaluated: 2021-04-10. Review status: criteria provided, single submitter. Criteria: Invitae Variant Classification Sherloc (09022015). Collection method: clinical testing. Allele origin: germline.
Comment: This sequence change creates a premature translational stop signal (p.Gln219*) in the ABCC8 gene. It is expected to result in an absent or disrupted protein product. Loss-of-function variants in ABCC8 are known to be pathogenic (PMID: 20685672, 23345197). For these reasons, this variant has been classified as Pathogenic. This variant has been observed in individual(s) with autosomal recessive congenital hyperinsulinism (PMID: 23275527). This variant has been reported in individual(s) with autosomal dominant congenital hyperinsulinism (PMID: 17236890, 24814349); however, the role of the variant in this condition is currently unclear. This variant is not present in population databases (ExAC no frequency).

Literature cited by the submitters: PubMed 20685672; PubMed 23345197; PubMed 23275527; PubMed 17236890; PubMed 24814349.